The following is an entry in ClinVar:

NM_005343.4(HRAS):c.5C>T (p.Thr2Met)

Genes: LRRC56 (leucine rich repeat containing 56; plus strand), HRAS (HRas proto-oncogene, GTPase; minus strand). Cytogenetic location: 11p15.5.
Variant type: single nucleotide variant.
Coding change: c.5C>T on transcript NM_005343.4 (MANE Select); coding-DNA position 5, C replaced by T.
Protein change: p.Thr2Met; replaces threonine 2 with methionine.
Molecular consequence: missense variant. On other transcripts: 5 prime UTR variant (1).
Genome position (GRCh38, 1-based): chr11:534,318, G>A on the plus strand (C>T on the coding strand, the complement: HRAS is on the minus strand). VCF-style: chr11-534318-G-A. GRCh37 (hg19) VCF-style: chr11-534318-G-A.
Other names: c.5C>T, p.Thr2Met (NM_001130442.3, NM_176795.5); c.-315C>T (NM_001318054.2); short protein forms T2M.
Identifiers: ClinVar variation 659504 (VCV000659504.9), dbSNP rs1447218022, ClinGen allele CA378926303.
Genomic context (GRCh38, chr11:534,318, plus strand): 5'-TGGATGGTCAGCGCACTCTTGCCCACACCGCCGGCGCCCACCACCACCAGCTTATATTCC[G>A]TCATCGCTCCTCAGGGGCCTGCGGCCCGGGGTCCTCCTACAGGGTCTCCTGCCCCACCTG-3'
Protein context (NP_005334.1, residues 1-12): M[Thr2Met]EYKLVVVGAG

ClinVar aggregate classification (germline): Uncertain significance (1 of 4 stars; one submission).

Conditions:
Costello syndrome (CSTLO). Also called: FACIOCUTANEOSKELETAL SYNDROME; FCS SYNDROME; HRAS-Related Costello Syndrome. Identifiers: Orphanet 3071, MedGen C0587248, MONDO:0009026, OMIM 218040.

Allele frequency attached by ClinVar (database versions not stated): gnomAD exomes below 0.00001.
gnomAD v4.1: 2 of 1,611,778 alleles (0.00012%); highest among the groups gnomAD compares: Non-Finnish European, 0.00017%; no homozygotes.

Submission:

Labcorp Genetics (formerly Invitae), Labcorp
Classification: Uncertain significance for Costello syndrome. Last evaluated: 2020-12-20. Review status: criteria provided, single submitter. Criteria: Invitae Variant Classification Sherloc (09022015). Collection method: clinical testing. Allele origin: germline.
Comment: In summary, the available evidence is currently insufficient to determine the role of this variant in disease. Therefore, it has been classified as a Variant of Uncertain Significance. Algorithms developed to predict the effect of missense changes on protein structure and function (SIFT, PolyPhen-2, Align-GVGD) all suggest that this variant is likely to be disruptive, but these predictions have not been confirmed by published functional studies and their clinical significance is uncertain. This variant has not been reported in the literature in individuals with HRAS-related conditions. This variant is not present in population databases (ExAC no frequency). This sequence change replaces threonine with methionine at codon 2 of the HRAS protein (p.Thr2Met). The threonine residue is highly conserved and there is a moderate physicochemical difference between threonine and methionine.